The following is an entry in ClinVar:

ClinVar aggregate classification (germline): Uncertain significance (1 of 4 stars; one submission).

Conditions:
Alagille syndrome due to a JAG1 point mutation. Also called: Alagille Syndrome 1; HEPATIC DUCTULAR HYPOPLASIA, SYNDROMATIC; JAG1-Related Alagille Syndrome. Identifiers: Orphanet 261619, Orphanet 52, MedGen C1956125, MONDO:0016862, OMIM 118450.

Submission:

Labcorp Genetics (formerly Invitae), Labcorp
Classification: Uncertain significance for Alagille syndrome due to a JAG1 point mutation. Last evaluated: 2025-04-14. Review status: criteria provided, single submitter. Criteria: Invitae Variant Classification Sherloc (09022015). Collection method: clinical testing. Allele origin: germline.
Comment: This sequence change replaces threonine, which is neutral and polar, with serine, which is neutral and polar, at codon 67 of the JAG1 protein (p.Thr67Ser). This variant is not present in population databases (gnomAD no frequency). This variant has not been reported in the literature in individuals affected with JAG1-related conditions. ClinVar contains an entry for this variant (Variation ID: 2091262). Invitae Evidence Modeling of protein sequence and biophysical properties (such as structural, functional, and spatial information, amino acid conservation, physicochemical variation, residue mobility, and thermodynamic stability) indicates that this missense variant is not expected to disrupt JAG1 protein function with a negative predictive value of 95%. In summary, the available evidence is currently insufficient to determine the role of this variant in disease. Therefore, it has been classified as a Variant of Uncertain Significance.

NM_000214.3(JAG1):c.200C>G (p.Thr67Ser)

Gene: JAG1 (jagged canonical Notch ligand 1; minus strand). Cytogenetic location: 20p12.2.
Variant type: single nucleotide variant.
Coding change: c.200C>G on transcript NM_000214.3 (MANE Select); coding-DNA position 200, C replaced by G.
Protein change: p.Thr67Ser; replaces threonine 67 with serine.
Molecular consequence: missense variant.
Genome position (GRCh38, 1-based): chr20:10,672,888, G>C on the plus strand (C>G on the coding strand, the complement: JAG1 is on the minus strand). VCF-style: chr20-10672888-G-C. GRCh37 (hg19) VCF-style: chr20-10653536-G-C.
Other names: short protein forms T67S.
Identifiers: ClinVar variation 2091262 (VCV002091262.4), dbSNP rs2514537977, ClinGen allele CA408243343.